The following is an entry in ClinVar:

NM_002499.4(NEO1):c.879-12_879-8del

Gene: NEO1 (neogenin 1; plus strand). Cytogenetic location: 15q24.1.
Variant type: Deletion.
Coding change: c.879-12_879-8del on transcript NM_002499.4 (MANE Select); 12 bases into the intron before coding-DNA position 879 through 8 bases into the intron before coding-DNA position 879, 5 bases deleted (TTTTT; older notation c.879-12_879-8delTTTTT).
Molecular consequence: intron variant.
Genome position (GRCh38, 1-based): chr15:73,135,879-73,135,883, TTTTT deleted; deleting any 5 consecutive bases within chr15:73,135,864-73,135,883 gives the same sequence; the c. name uses the placement nearest the transcript's 3' end. VCF-style (leftmost placement, unchanged base first): chr15-73135863-CTTTTT-C. GRCh37 (hg19) VCF-style: chr15-73428204-CTTTTT-C.
Other names: c.879-12_879-8del (NM_001172624.2, NM_001419531.1, NM_001172623.2).
Identifiers: ClinVar variation 3048145 (VCV003048145.2), dbSNP rs376822156, ClinGen allele CA619294257.

ClinVar aggregate classification (germline): Likely benign (0 of 4 stars; one submission).

Conditions:
NEO1-related disorder. Also called: NEO1-related condition.

Submission:

PreventionGenetics, part of Exact Sciences
Classification: Likely benign for NEO1-related condition. Last evaluated: 2020-01-06. Review status: no assertion criteria provided. Collection method: clinical testing. Allele origin: germline.
Comment: This variant is classified as likely benign based on ACMG/AMP sequence variant interpretation guidelines (Richards et al. 2015 PMID: 25741868, with internal and published modifications).